The following is an entry in ClinVar:

NM_198525.3(KIF7):c.3428A>G (p.Glu1143Gly)

Genes: KIF7 (kinesin family member 7; minus strand), LOC126862216 (BRD4-independent group 4 enhancer GRCh37_chr15:90171995-90173194; plus strand). Cytogenetic location: 15q26.1.
Variant type: single nucleotide variant.
Coding change: c.3428A>G on transcript NM_198525.3 (MANE Select); coding-DNA position 3428, A replaced by G.
Protein change: p.Glu1143Gly; replaces glutamic acid 1143 with glycine.
Molecular consequence: missense variant.
Genome position (GRCh38, 1-based): chr15:89,629,464, T>C on the plus strand (A>G on the coding strand, the complement: KIF7 is on the minus strand). VCF-style: chr15-89629464-T-C. GRCh37 (hg19) VCF-style: chr15-90172695-T-C.
Other names: c.3428A>G (NM_198525.2); short protein forms E1143G.
Identifiers: ClinVar variation 500277 (VCV000500277.12), dbSNP rs755353975, ClinGen allele CA7727712.

ClinVar aggregate classification (germline): Uncertain significance. Review status: criteria provided, multiple submitters, no conflicts (2 of 4 stars). 6 submissions from 6 submitters: Uncertain significance (6). Last evaluated 2026-06-05.

Conditions:
Acrocallosal syndrome (ACLS). Also called: Schinzel syndrome 1; Absence of corpus callosum with unusual facial appearance, mental deficiency, duplication of the halluces and polydactyly; HALLUX DUPLICATION, POSTAXIAL POLYDACTYLY, AND ABSENCE OF CORPUS CALLOSUM. Identifiers: Orphanet 36, MedGen C0796147, MONDO:0008708, OMIM 200990.
Hydrolethalus syndrome 2 (HLS2). Identifiers: Orphanet 2189, MedGen C3279899, MONDO:0013585, OMIM 614120.
Multiple epiphyseal dysplasia, Al-Gazali type. Also called: Macrocephaly with multiple epiphyseal dysplasia and distinctive facies. Identifiers: Orphanet 166024, MedGen C1846722, MONDO:0011778, OMIM 607131.
Inborn genetic diseases. Identifiers: MedGen C0950123, MeSH D030342.

Allele frequency attached by ClinVar (database versions not stated): gnomAD exomes 0.00001 and 0.00003; ExAC 0.00002; gnomAD 0.00007 and 0.00009; TOPMed 0.00008.
gnomAD v4.1: 26 of 1,609,948 alleles (0.0016%); highest among the groups gnomAD compares: African/African-American, 0.027%; no homozygotes.

Submissions (6):

Women's Health and Genetics/Laboratory Corporation of America, LabCorp
Classification: Uncertain significance. Last evaluated: 2026-06-05. Review status: criteria provided, single submitter. Criteria: LabCorp Variant Classification Summary - May 2015. Collection method: clinical testing. Allele origin: germline.
Comment: Variant summary: KIF7 c.3428A>G (p.Glu1143Gly) results in a non-conservative amino acid change in the encoded protein sequence. Algorithms developed to predict the effect of missense changes on protein structure and function all suggest that this variant is likely to be disruptive. The variant allele was found at a frequency of 2.8e-05 in 247656 control chromosomes. The available data on variant occurrences in the general population are insufficient to allow any conclusion about variant significance. To our knowledge, no occurrence of c.3428A>G in individuals affected with KIF7-related conditions and no experimental evidence demonstrating its impact on protein function have been reported. ClinVar contains an entry for this variant (Variation ID: 500277). Based on the evidence outlined above, the variant was classified as uncertain significance.

Fulgent Genetics
Classification: Uncertain significance for Acrocallosal syndrome; Multiple epiphyseal dysplasia, Al-Gazali type; Hydrolethalus syndrome 2. Last evaluated: 2024-04-17. Review status: criteria provided, single submitter. Criteria: ACMG Guidelines, 2015. Collection method: clinical testing. Allele origin: germline.

Labcorp Genetics (formerly Invitae), Labcorp
Classification: Uncertain significance for Acrocallosal syndrome. Last evaluated: 2022-07-19. Review status: criteria provided, single submitter. Criteria: Invitae Variant Classification Sherloc (09022015). Collection method: clinical testing. Allele origin: germline.
Comment: This sequence change replaces glutamic acid, which is acidic and polar, with glycine, which is neutral and non-polar, at codon 1143 of the KIF7 protein (p.Glu1143Gly). This variant is present in population databases (rs755353975, gnomAD 0.03%). This variant has not been reported in the literature in individuals affected with KIF7-related conditions. ClinVar contains an entry for this variant (Variation ID: 500277). Algorithms developed to predict the effect of missense changes on protein structure and function are either unavailable or do not agree on the potential impact of this missense change (SIFT: "Deleterious"; PolyPhen-2: "Probably Damaging"; Align-GVGD: "Class C15"). In summary, the available evidence is currently insufficient to determine the role of this variant in disease. Therefore, it has been classified as a Variant of Uncertain Significance.

Ambry Genetics
Classification: Uncertain significance for Inborn genetic diseases. Last evaluated: 2021-10-12. Review status: criteria provided, single submitter. Criteria: Ambry Variant Classification Scheme 2023. Collection method: clinical testing. Allele origin: germline.

Blueprint Genetics
Classification: Uncertain significance. Last evaluated: 2021-02-17. Review status: criteria provided, single submitter. Criteria: ACMG Guidelines, 2015. Collection method: clinical testing. Allele origin: germline.

Eurofins Ntd Llc (ga)
Classification: Uncertain significance. Last evaluated: 2017-02-21. Review status: criteria provided, single submitter. Criteria: EGL Classification Definitions 2015. Collection method: clinical testing. Allele origin: germline. Observed: 1 variant allele, 1 heterozygote.